The following is an entry in ClinVar:

ClinVar aggregate classification (germline): Likely benign (1 of 4 stars; one submission).

Allele frequency attached by ClinVar (database versions not stated): gnomAD exomes 0.00064; 1000 Genomes Project 30x 0.00156.

Submission:

CeGaT Center for Human Genetics Tuebingen
Classification: Likely benign. Last evaluated: 2022-11-01. Review status: criteria provided, single submitter. Criteria: CeGaT Center For Human Genetics Tuebingen Variant Classification Criteria Version 2. Collection method: clinical testing. Allele origin: germline. Affected: yes. Observed: 2 variant alleles.
Comment: GSTT2B: BS2

NC_000022.11:g.23942656G>A

Gene: GSTT2B (glutathione S-transferase theta 2B; minus strand). Cytogenetic location: 22q11.23.
Variant type: single nucleotide variant.
Molecular consequence: non-coding transcript variant (on NR_171772.1).
Genome position: GRCh38 VCF-style: chr22-23942656-G-A. GRCh37 (hg19) VCF-style: chr22-24284843-G-A.
Identifiers: ClinVar variation 2652978 (VCV002652978.24), dbSNP rs182254690, ClinGen allele CA322569892.